The following is an entry in ClinVar:

ClinVar aggregate classification (germline): Benign. Review status: criteria provided, multiple submitters, no conflicts (2 of 4 stars). 4 submissions from 4 submitters: Benign (4). Last evaluated 2026-01-31.

Allele frequency attached by ClinVar (database versions not stated): gnomAD exomes 0.00117 and 0.00316; ExAC 0.00410; gnomAD 0.01226 and 0.01319; 1000 Genomes Project 30x 0.01312; 1000 Genomes Project 0.01318; TOPMed 0.01388; ESP Exome Variant Server 0.01509.

Submissions (4):

Labcorp Genetics (formerly Invitae), Labcorp
Classification: Benign. Last evaluated: 2026-01-31. Review status: criteria provided, single submitter. Criteria: Invitae Variant Classification Sherloc (09022015). Collection method: clinical testing. Allele origin: germline.

GeneDx
Classification: Benign. Last evaluated: 2017-10-23. Review status: criteria provided, single submitter. Criteria: GeneDx Variant Classification (06012015). Collection method: clinical testing. Allele origin: germline. Affected: yes.
Comment: This variant is considered likely benign or benign based on one or more of the following criteria: it is a conservative change, it occurs at a poorly conserved position in the protein, it is predicted to be benign by multiple in silico algorithms, and/or has population frequency not consistent with disease.

Laboratory for Molecular Medicine, Mass General Brigham Personalized Medicine
Classification: Benign. Last evaluated: 2011-05-04. Review status: criteria provided, single submitter. Criteria: LMM Criteria. Collection method: clinical testing. Allele origin: germline. Observed: 17 variant alleles.
Comment: Ala783Ser in exon 23 of USH1C: This variant is not expected to have clinical sig nificance because it was identified in dbSNP in 2.6% (5/194) control chromosomes (rs34077456).

Breakthrough Genomics
Classification: Benign. Review status: criteria provided, single submitter. Criteria: ACMG Guidelines, 2015. Collection method: not provided. Allele origin: germline. Inheritance: Autosomal recessive inheritance. Affected: yes.

Literature cited by the submitters: PubMed 16679490 (cited by Laboratory for Molecular Medicine, Mass General Brigham Personalized Medicine).

NM_153676.4(USH1C):c.2347G>T (p.Ala783Ser)

Gene: USH1C (USH1 protein network component harmonin; minus strand). Cytogenetic location: 11p15.1.
Variant type: single nucleotide variant.
Coding change: c.2347G>T on transcript NM_153676.4 (MANE Select); coding-DNA position 2347, G replaced by T.
Protein change: p.Ala783Ser; replaces alanine 783 with serine.
Molecular consequence: missense variant. On other transcripts: non-coding transcript variant (1).
Genome position (GRCh38, 1-based): chr11:17,501,084, C>A on the plus strand (G>T on the coding strand, the complement: USH1C is on the minus strand). VCF-style: chr11-17501084-C-A. GRCh37 (hg19) VCF-style: chr11-17522631-C-A.
Other names: c.1390G>T, p.Ala464Ser (NM_001297764.2); c.1447G>T, p.Ala483Ser (NM_005709.4); short protein forms A483S, A783S, A464S.
Identifiers: ClinVar variation 47999 (VCV000047999.19), dbSNP rs34077456, ClinGen allele CA142338.